The following is an entry in ClinVar:

ClinVar aggregate classification (germline): Uncertain significance (1 of 4 stars; one submission).

Conditions:
Nephrolithiasis/nephrocalcinosis. Identifiers: MedGen CN580796.

Submission:

Ambry Genetics
Classification: Uncertain significance for Nephrolithiasis/nephrocalcinosis. Last evaluated: 2022-05-04. Review status: criteria provided, single submitter. Criteria: Ambry Variant Classification Scheme 2023. Collection method: clinical testing. Allele origin: germline.
Comment: The p.S83I variant (also known as c.248G>T), located in coding exon 2 of the CASR gene, results from a G to T substitution at nucleotide position 248. The serine at codon 83 is replaced by isoleucine, an amino acid with dissimilar properties. This amino acid position is conserved. In addition, this alteration is predicted to be tolerated by in silico analysis. Since supporting evidence is limited at this time, the clinical significance of this alteration remains unclear.

NM_000388.4(CASR):c.248G>T (p.Ser83Ile)

Gene: CASR (calcium sensing receptor; plus strand). Cytogenetic location: 3q21.1.
Variant type: single nucleotide variant.
Coding change: c.248G>T on transcript NM_000388.4 (MANE Select); coding-DNA position 248, G replaced by T.
Protein change: p.Ser83Ile; replaces serine 83 with isoleucine.
Molecular consequence: missense variant.
Genome position (GRCh38, 1-based): chr3:122,257,143, G>T. VCF-style: chr3-122257143-G-T. GRCh37 (hg19) VCF-style: chr3-121975990-G-T.
Other names: c.248G>T, p.Ser83Ile (NM_001178065.2); short protein forms S83I.
Identifiers: ClinVar variation 1792051 (VCV001792051.2), dbSNP rs2473214165, ClinGen allele CA354362484.